The following is an entry in ClinVar:

ClinVar aggregate classification (germline): Pathogenic (1 of 4 stars; one submission).

Conditions:
Osteogenesis imperfecta type I (OI1). Also called: OI, TYPE I; OSTEOGENESIS IMPERFECTA TARDA; OSTEOGENESIS IMPERFECTA WITH BLUE SCLERAE; Osteogenesis imperfecta type 1; Classic Non-deforming Osteogenesis Imperfecta with Blue Sclerae; Lobstein's Disease. Identifiers: Orphanet 216796, Orphanet 666, MedGen C0023931, MONDO:0008146, OMIM 166200. Disease mechanism: loss of function.

Submission:

Labcorp Genetics (formerly Invitae), Labcorp
Classification: Pathogenic for Osteogenesis imperfecta type I. Last evaluated: 2024-11-27. Review status: criteria provided, single submitter. Criteria: Invitae Variant Classification Sherloc (09022015). Collection method: clinical testing. Allele origin: germline.
Comment: This sequence change creates a premature translational stop signal (p.Glu1021Profs*12) in the COL1A1 gene. It is expected to result in an absent or disrupted protein product. Loss-of-function variants in COL1A1 are known to be pathogenic (PMID: 7942841, 9295084, 9443882). This variant is not present in population databases (gnomAD no frequency). This variant has not been reported in the literature in individuals affected with COL1A1-related conditions. ClinVar contains an entry for this variant (Variation ID: 1073803). For these reasons, this variant has been classified as Pathogenic.

Literature cited by the submitters: PubMed 7942841; PubMed 9295084; PubMed 9443882.

NM_000088.4(COL1A1):c.3061_3068del (p.Glu1021fs)

Gene: COL1A1 (collagen type I alpha 1 chain; minus strand). Cytogenetic location: 17q21.33.
Variant type: Deletion.
Coding change: c.3061_3068del on transcript NM_000088.4 (MANE Select); coding-DNA positions 3061 to 3068, 8 bases deleted (GAAGGTTC; older notation c.3061_3068delGAAGGTTC).
Protein change: p.Glu1021fs; shifts the reading frame from glutamic acid 1021.
Molecular consequence: frameshift variant.
Genome position (GRCh38, 1-based): chr17:50,188,773-50,188,780, GAACCTTC deleted on the plus strand (GAAGGTTC on the coding strand, the reverse complement: COL1A1 is on the minus strand); deleting any 8 consecutive bases within chr17:50,188,773-50,188,781 gives the same sequence; the c. name uses the placement nearest the transcript's 3' end. VCF-style (leftmost placement, unchanged base first): chr17-50188772-GGAACCTTC-G. GRCh37 (hg19) VCF-style: chr17-48266133-GGAACCTTC-G.
Other names: short protein forms E1021fs.
Identifiers: ClinVar variation 1073803 (VCV001073803.7), dbSNP rs2144546781, ClinGen allele CA2499224716.